The following is an entry in ClinVar:

ClinVar aggregate classification (germline): Uncertain significance (1 of 4 stars; one submission).

Conditions:
Generalized epilepsy with febrile seizures plus, type 7 (GEFSP7). Also called: GEFS+, TYPE 7. Identifiers: Orphanet 36387, MedGen C2751778, MONDO:0013470, OMIM 613863.
Neuropathy, hereditary sensory and autonomic, type 2A (HSAN2A). Also called: ACROOSTEOLYSIS, GIACCAI TYPE; ACROOSTEOLYSIS, NEUROGENIC; MORVAN DISEASE; NEUROPATHY, CONGENITAL SENSORY; NEUROPATHY, HEREDITARY SENSORY RADICULAR, AUTOSOMAL RECESSIVE; NEUROPATHY, HEREDITARY SENSORY, TYPE IIA. Identifiers: Orphanet 970, MedGen C2752089, MONDO:0024309, OMIM 201300.

Submission:

Labcorp Genetics (formerly Invitae), Labcorp
Classification: Uncertain significance for Neuropathy, hereditary sensory and autonomic, type 2A; Generalized epilepsy with febrile seizures plus, type 7. Last evaluated: 2023-07-31. Review status: criteria provided, single submitter. Criteria: Invitae Variant Classification Sherloc (09022015). Collection method: clinical testing. Allele origin: unknown.
Comment: In summary, the available evidence is currently insufficient to determine the role of this variant in disease. Therefore, it has been classified as a Variant of Uncertain Significance. Isolated whole-gene duplications of SCN9A have not been reported in the literature. However, larger copy number events that include this gene have been reported (PMID: 21692795, 23016767). A copy number gain of the genomic region encompassing the full coding sequence of the SCN9A gene has been identified. The boundaries of this event are unknown as they extend beyond the assayed region for this gene and therefore may encompass additional genes. As the precise location of this event is unknown, it may be in tandem or it may be located elsewhere in the genome.

Literature cited by the submitters: PubMed 21692795; PubMed 23016767.

NC_000002.11:g.(?_166847755)_(167168266_?)dup

Genes: SCN1A (sodium voltage-gated channel alpha subunit 1; minus strand), SCN9A (sodium voltage-gated channel alpha subunit 9; minus strand). Cytogenetic location: 2q24.3.
Variant type: Duplication.
Identifiers: ClinVar variation 3247363 (VCV003247363.1).